The following is an entry in ClinVar:

ClinVar aggregate classification (germline): Benign/Likely benign. Review status: criteria provided, multiple submitters, no conflicts (2 of 4 stars). 5 submissions from 5 submitters: Benign (1); Likely benign (4). Last evaluated 2025-11-03.

Conditions:
Tuberous sclerosis syndrome (TSC). Also called: Tuberous Sclerosis Complex; Tuberous sclerosis. Identifiers: Orphanet 805, MedGen C0041341, MONDO:0001734.
Tuberous sclerosis 2 (TSC2). Identifiers: Orphanet 805, MedGen C1860707, MONDO:0013199, OMIM 613254.
Hereditary cancer-predisposing syndrome. Also called: Tumor predisposition; Hereditary Cancer Syndrome; Neoplastic Syndromes, Hereditary; Hereditary neoplastic syndrome. Identifiers: Orphanet 140162, MedGen C0027672, MeSH D009386, MONDO:0015356.

Allele frequency attached by ClinVar (database versions not stated): TOPMed below 0.00001.

Submissions (5):

Labcorp Genetics (formerly Invitae), Labcorp
Classification: Likely benign for Tuberous sclerosis 2. Last evaluated: 2025-11-03. Review status: criteria provided, single submitter. Criteria: Invitae Variant Classification Sherloc (09022015). Collection method: clinical testing. Allele origin: germline.

Myriad Genetics, Inc.
Classification: Benign for Tuberous sclerosis 2. Last evaluated: 2025-05-05. Review status: criteria provided, single submitter. Criteria: Myriad Autosomal Dominant, Autosomal Recessive and X-Linked Classification Criteria (2023). Collection method: clinical testing. Allele origin: unknown.
Comment: This variant is considered benign. This variant is a silent/synonymous amino acid change and it is not expected to impact splicing.

All of Us Research Program, National Institutes of Health
Classification: Likely benign for Tuberous sclerosis syndrome. Last evaluated: 2023-09-17. Review status: criteria provided, single submitter. Criteria: ACMG Guidelines, 2015. Collection method: clinical testing. Allele origin: germline. Inheritance: Autosomal dominant inheritance. Observed: 1 variant allele, 1 heterozygote.
Comment: This study involves interpretation of variants in research participants for the purpose of population health screening. Participant phenotype was not available at the time of variant classification. Additional details can be found in publication PMID: 35346344, PMCID: PMC8962531

Color Diagnostics, LLC DBA Color Health
Classification: Likely benign for Tuberous sclerosis syndrome. Last evaluated: 2023-09-13. Review status: criteria provided, single submitter. Criteria: ACMG Guidelines, 2015. Collection method: clinical testing. Allele origin: germline.

Ambry Genetics
Classification: Likely benign for Hereditary cancer-predisposing syndrome. Last evaluated: 2022-11-16. Review status: criteria provided, single submitter. Criteria: Ambry Variant Classification Scheme 2023. Collection method: clinical testing. Allele origin: germline.

NM_000548.5(TSC2):c.384G>A (p.Lys128=)

Gene: TSC2 (TSC complex subunit 2; plus strand). Cytogenetic location: 16p13.3.
Variant type: single nucleotide variant.
Coding change: c.384G>A on transcript NM_000548.5 (MANE Select); coding-DNA position 384, G replaced by A.
Protein change: p.Lys128=; no amino-acid change (lysine 128 retained).
Molecular consequence: synonymous variant. On other transcripts: intron variant (1).
Genome position (GRCh38, 1-based): chr16:2,054,343, G>A. VCF-style: chr16-2054343-G-A. GRCh37 (hg19) VCF-style: chr16-2104344-G-A.
Other names: c.384G>A, p.Lys128= (NM_001077183.3, NM_001114382.3, NM_001363528.2 and 3 more transcripts); c.273G>A, p.Lys91= (NM_001318827.2); c.237G>A, p.Lys79= (NM_001318829.2); c.417G>A, p.Lys139= (NM_001318832.2); c.-1-1853G>A (NM_001318831.2).
Identifiers: ClinVar variation 765240 (VCV000765240.13), dbSNP rs748095129, ClinGen allele CA492955389.